The following is an entry in ClinVar:

ClinVar aggregate classification (germline): Uncertain significance (1 of 4 stars; one submission).

Allele frequency attached by ClinVar (database versions not stated): gnomAD exomes below 0.00001; ExAC 0.00001; gnomAD 0.00001; TOPMed 0.00003; ESP Exome Variant Server 0.00008.
gnomAD v4.1: 6 of 1,614,062 alleles (0.00037%); highest among the groups gnomAD compares: Non-Finnish European, 0.00051%; no homozygotes.

Submission:

Labcorp Genetics (formerly Invitae), Labcorp
Classification: Uncertain significance. Last evaluated: 2022-04-12. Review status: criteria provided, single submitter. Criteria: Invitae Variant Classification Sherloc (09022015). Collection method: clinical testing. Allele origin: germline.
Comment: In summary, the available evidence is currently insufficient to determine the role of this variant in disease. Therefore, it has been classified as a Variant of Uncertain Significance. Algorithms developed to predict the effect of missense changes on protein structure and function (SIFT, PolyPhen-2, Align-GVGD) all suggest that this variant is likely to be tolerated. This variant has not been reported in the literature in individuals affected with C5-related conditions. This variant is present in population databases (rs367889830, gnomAD 0.0009%). This sequence change replaces asparagine, which is neutral and polar, with serine, which is neutral and polar, at codon 1178 of the C5 protein (p.Asn1178Ser).

NM_001735.3(C5):c.3533A>G (p.Asn1178Ser)

Gene: C5 (complement C5; minus strand). Cytogenetic location: 9q33.2.
Variant type: single nucleotide variant.
Coding change: c.3533A>G on transcript NM_001735.3 (MANE Select); coding-DNA position 3533, A replaced by G.
Protein change: p.Asn1178Ser; replaces asparagine 1178 with serine.
Molecular consequence: missense variant.
Genome position (GRCh38, 1-based): chr9:120,980,208, T>C on the plus strand (A>G on the coding strand, the complement: C5 is on the minus strand). VCF-style: chr9-120980208-T-C. GRCh37 (hg19) VCF-style: chr9-123742486-T-C.
Other names: c.3551A>G, p.Asn1184Ser (NM_001317163.2); short protein forms N1178S, N1184S.
Identifiers: ClinVar variation 1947301 (VCV001947301.4), dbSNP rs367889830, ClinGen allele CA5217448.
Genomic context (GRCh38, chr9:120,980,208, plus strand): 5'-CCCAGGGAAAGAGCATACGCAGAAATGGCCAATGTAAAGGTGCTCTGGGCTGGCAGTGTA[T>C]TTTCAAGCAGAAAGTTGTCAGCTTTAATTAGAGCTGTGTCGATTTTCTGGAAACAAGAGA-3'
Protein context (NP_001726.2, residues 1168-1188): LIKADNFLLE[Asn1178Ser]TLPAQSTFTL